The following is an entry in ClinVar:

NM_006440.5(TXNRD2):c.87_98del (p.27RGAA[1])

Genes: TXNRD2 (thioredoxin reductase 2; minus strand), LOC130066960 (ATAC-STARR-seq lymphoblastoid silent region 13467; plus strand). Cytogenetic location: 22q11.21.
Variant type: Deletion.
Coding change: c.87_98del on transcript NM_006440.5 (MANE Select); coding-DNA positions 87 to 98, 12 bases deleted (GGCGCGGGGCGC).
Protein change: p.27RGAA[1].
Molecular consequence: inframe deletion. On other transcripts: non-coding transcript variant (1).
Genome position (GRCh38, 1-based): chr22:19,941,706-19,941,717, GCGCCCCGCGCC deleted on the plus strand (GGCGCGGGGCGC on the coding strand, the reverse complement: TXNRD2 is on the minus strand); deleting any 12 consecutive bases within chr22:19,941,706-19,941,726 gives the same sequence; the c. name uses the placement nearest the transcript's 3' end. VCF-style (leftmost placement, unchanged base first): chr22-19941705-TGCGCCCCGCGCC-T. GRCh37 (hg19) VCF-style: chr22-19929228-TGCGCCCCGCGCC-T.
Other names: c.87_98del, p.27RGAA[1] (NM_001282512.3, NM_001352300.2); c.87_98del (NM_006440.3).
Identifiers: ClinVar variation 1497519 (VCV001497519.13), dbSNP rs766448975, ClinGen allele CA10104406.

ClinVar aggregate classification (germline): Uncertain significance. Review status: criteria provided, multiple submitters, no conflicts (2 of 4 stars). 3 submissions from 3 submitters: Uncertain significance (3). Last evaluated 2026-01-12.

Conditions:
Cardiovascular phenotype. Identifiers: MedGen CN230736.
Primary dilated cardiomyopathy (DCM). Also called: Dilated Cardiomyopathy. Identifiers: Orphanet 217604, MedGen C0007193, MeSH D002311, MONDO:0005021, HP:0001644. Inheritance: Various modes of inheritance.

Submissions (3):

Labcorp Genetics (formerly Invitae), Labcorp
Classification: Uncertain significance for Primary dilated cardiomyopathy. Last evaluated: 2026-01-12. Review status: criteria provided, single submitter. Criteria: Invitae Variant Classification Sherloc (09022015). Collection method: clinical testing. Allele origin: germline.
Comment: This variant, c.87_98del, results in the deletion of 4 amino acid(s) of the TXNRD2 protein (p.Ala30_Ala33del), but otherwise preserves the integrity of the reading frame. This variant is present in population databases (rs766448975, gnomAD 0.07%), and has an allele count higher than expected for a pathogenic variant. This variant has not been reported in the literature in individuals affected with TXNRD2-related conditions. ClinVar contains an entry for this variant (Variation ID: 1497519). Experimental studies and prediction algorithms are not available or were not evaluated, and the functional significance of this variant is currently unknown. In summary, the available evidence is currently insufficient to determine the role of this variant in disease. Therefore, it has been classified as a Variant of Uncertain Significance.

GeneDx
Classification: Uncertain significance. Last evaluated: 2024-08-06. Review status: criteria provided, single submitter. Criteria: GeneDx Variant Classification Process June 2021. Collection method: clinical testing. Allele origin: germline. Affected: yes.
Comment: Has not been previously published as pathogenic or benign to our knowledge; In-frame deletion of 4 amino acids in a repeat region; In silico analysis supports that this variant does not alter protein structure/function

Ambry Genetics
Classification: Uncertain significance for Cardiovascular phenotype. Last evaluated: 2024-07-01. Review status: criteria provided, single submitter. Criteria: Ambry Variant Classification Scheme 2023. Collection method: clinical testing. Allele origin: germline.
Comment: The c.87_98del12 variant (also known as p.R31_A34del) is located in coding exon 1 of the TXNRD2 gene. This variant results from an in-frame deletion of 12 nucleotides at positions 87 to 98. This results in the deletion of 4 amino acids between codons 31 and 34. These amino acid positions are not well conserved in available vertebrate species. In addition, this alteration is predicted to be neutral by in silico analysis (Choi Y et al. PLoS ONE. 2012; 7(10):e46688). The evidence for this gene-disease relationship is limited; therefore, the clinical significance of this alteration is unclear.